The following is an entry in ClinVar:

ClinVar aggregate classification (germline): Likely benign (1 of 4 stars; one submission).

Allele frequency attached by ClinVar (database versions not stated): 1000 Genomes Project 30x 0.00141; 1000 Genomes Project 0.00160; gnomAD 0.00204; TOPMed 0.00210; ESP Exome Variant Server 0.00246.
gnomAD v4.1: 4,957 of 1,614,076 alleles (0.31%); highest among the groups gnomAD compares: Non-Finnish European, 0.38%; 13 homozygotes.

Submission:

CeGaT Center for Human Genetics Tuebingen
Classification: Likely benign. Last evaluated: 2022-11-01. Review status: criteria provided, single submitter. Criteria: CeGaT Center For Human Genetics Tuebingen Variant Classification Criteria Version 2. Collection method: clinical testing. Allele origin: germline. Affected: yes. Observed: 1 variant allele.
Comment: SLK: BP4, BP7

NM_014720.4(SLK):c.1707G>T (p.Thr569=)

Gene: SLK (STE20 like kinase; plus strand). Cytogenetic location: 10q25.1.
Variant type: single nucleotide variant.
Coding change: c.1707G>T on transcript NM_014720.4 (MANE Select); coding-DNA position 1707, G replaced by T.
Protein change: p.Thr569=; no amino-acid change (threonine 569 retained).
Molecular consequence: synonymous variant.
Genome position (GRCh38, 1-based): chr10:104,002,885, G>T. VCF-style: chr10-104002885-G-T. GRCh37 (hg19) VCF-style: chr10-105762643-G-T.
Other names: c.1707G>T, p.Thr569= (NM_001304743.2).
Identifiers: ClinVar variation 2640812 (VCV002640812.24), dbSNP rs56357599, ClinGen allele CA5677108.